The following is an entry in ClinVar:

NM_003265.3(TLR3):c.386A>G (p.His129Arg)

Gene: TLR3 (toll like receptor 3; plus strand). Cytogenetic location: 4q35.1.
Variant type: single nucleotide variant.
Coding change: c.386A>G on transcript NM_003265.3 (MANE Select); coding-DNA position 386, A replaced by G.
Protein change: p.His129Arg; replaces histidine 129 with arginine.
Molecular consequence: missense variant.
Genome position (GRCh38, 1-based): chr4:186,077,005, A>G. VCF-style: chr4-186077005-A-G. GRCh37 (hg19) VCF-style: chr4-186998159-A-G.
Other names: short protein forms H129R.
Identifiers: ClinVar variation 3703596 (VCV003703596.3).

ClinVar aggregate classification (germline): Uncertain significance. Review status: criteria provided, multiple submitters, no conflicts (2 of 4 stars). 2 submissions from 2 submitters: Uncertain significance (2). Last evaluated 2025-10-07.

Conditions:
Encephalopathy, acute, infection-induced (herpes-specific), susceptibility to, 1. Also called: Herpes simplex encephalitis, susceptibility to, 1. Identifiers: Orphanet 1930, MedGen C2750180, MONDO:0024563, OMIM 610551.

gnomAD v4.1: 22 of 1,614,122 alleles (0.0014%); highest among the groups gnomAD compares: South Asian, 0.02%; no homozygotes.

Submissions (2):

Ambry Genetics
Classification: Uncertain significance. Last evaluated: 2025-10-07. Review status: criteria provided, single submitter. Criteria: Ambry Variant Classification Scheme 2023. Collection method: clinical testing. Allele origin: germline.

Labcorp Genetics (formerly Invitae), Labcorp
Classification: Uncertain significance for Encephalopathy, acute, infection-induced (herpes-specific), susceptibility to, 1. Last evaluated: 2024-06-02. Review status: criteria provided, single submitter. Criteria: Invitae Variant Classification Sherloc (09022015). Collection method: clinical testing. Allele origin: germline.
Comment: This sequence change replaces histidine, which is basic and polar, with arginine, which is basic and polar, at codon 129 of the TLR3 protein (p.His129Arg). This variant is present in population databases (rs751822847, gnomAD 0.02%). This variant has not been reported in the literature in individuals affected with TLR3-related conditions. An algorithm developed to predict the effect of missense changes on protein structure and function (PolyPhen-2) suggests that this variant is likely to be tolerated. In summary, the available evidence is currently insufficient to determine the role of this variant in disease. Therefore, it has been classified as a Variant of Uncertain Significance.